The following is an entry in ClinVar:

NM_000179.3(MSH6):c.385G>C (p.Val129Leu)

Gene: MSH6 (mutS homolog 6; plus strand). Cytogenetic location: 2p16.3.
Variant type: single nucleotide variant.
Coding change: c.385G>C on transcript NM_000179.3 (MANE Select); coding-DNA position 385, G replaced by C.
Protein change: p.Val129Leu; replaces valine 129 with leucine.
Molecular consequence: missense variant. On other transcripts: 5 prime UTR variant (2), intron variant (1).
Genome position (GRCh38, 1-based): chr2:47,791,051, G>C. VCF-style: chr2-47791051-G-C. GRCh37 (hg19) VCF-style: chr2-48018190-G-C.
Other names: c.-352G>C (NM_001281493.2); c.-518G>C (NM_001281494.2); c.238-7560G>C (NM_001281492.2); short protein forms V129L.
Identifiers: ClinVar variation 1009870 (VCV001009870.11), dbSNP rs1572708884, ClinGen allele CA346737055.

ClinVar aggregate classification (germline): Uncertain significance. Review status: criteria provided, multiple submitters, no conflicts (2 of 4 stars). 2 submissions from 2 submitters: Uncertain significance (2). Last evaluated 2021-06-16.

Conditions:
Hereditary nonpolyposis colorectal neoplasms. Identifiers: MedGen C0009405, MeSH D003123.
Hereditary cancer-predisposing syndrome. Also called: Tumor predisposition; Hereditary neoplastic syndrome; Neoplastic Syndromes, Hereditary; Hereditary Cancer Syndrome. Identifiers: Orphanet 140162, MedGen C0027672, MeSH D009386, MONDO:0015356.

Allele frequency attached by ClinVar (database versions not stated): gnomAD exomes below 0.00001.
gnomAD v4.1: 1 of 1,614,218 alleles (0.000062%); highest among the groups gnomAD compares: Non-Finnish European, 0.000085%; no homozygotes.

Submissions (2):

Labcorp Genetics (formerly Invitae), Labcorp
Classification: Uncertain significance for Hereditary nonpolyposis colorectal neoplasms. Last evaluated: 2021-06-16. Review status: criteria provided, single submitter. Criteria: Invitae Variant Classification Sherloc (09022015). Collection method: clinical testing. Allele origin: germline.
Comment: In summary, the available evidence is currently insufficient to determine the role of this variant in disease. Therefore, it has been classified as a Variant of Uncertain Significance. Algorithms developed to predict the effect of missense changes on protein structure and function (SIFT, PolyPhen-2, Align-GVGD) all suggest that this variant is likely to be tolerated, but these predictions have not been confirmed by published functional studies and their clinical significance is uncertain. This variant has not been reported in the literature in individuals with MSH6-related conditions. This variant is not present in population databases (ExAC no frequency). This sequence change replaces valine with leucine at codon 129 of the MSH6 protein (p.Val129Leu). The valine residue is moderately conserved and there is a small physicochemical difference between valine and leucine.

Ambry Genetics
Classification: Uncertain significance for Hereditary cancer-predisposing syndrome. Last evaluated: 2020-02-10. Review status: criteria provided, single submitter. Criteria: Ambry Variant Classification Scheme 2023. Collection method: clinical testing. Allele origin: germline.
Comment: The p.V129L variant (also known as c.385G>C), located in coding exon 2 of the MSH6 gene, results from a G to C substitution at nucleotide position 385. The valine at codon 129 is replaced by leucine, an amino acid with highly similar properties. This amino acid position is not well conserved in available vertebrate species. In addition, this alteration is predicted to be tolerated by in silico analysis. Since supporting evidence is limited at this time, the clinical significance of this alteration remains unclear.